The following is an entry in ClinVar:

NM_001190274.2(FBXO11):c.2620C>T (p.Gln874Ter)

Genes: FBXO11 (F-box protein 11; minus strand), MSH6 (mutS homolog 6; plus strand). Cytogenetic location: 2p16.3.
Variant type: single nucleotide variant.
Coding change: c.2620C>T on transcript NM_001190274.2 (MANE Select); coding-DNA position 2620, C replaced by T.
Protein change: p.Gln874Ter; replaces glutamine 874 with a stop codon.
Molecular consequence: nonsense. On other transcripts: intron variant (6).
Genome position (GRCh38, 1-based): chr2:47,808,363, G>A on the plus strand (C>T on the coding strand, the complement: FBXO11 is on the minus strand). VCF-style: chr2-47808363-G-A. GRCh37 (hg19) VCF-style: chr2-48035502-G-A.
Other names: c.2368C>T, p.Gln790Ter (NM_001374325.1, NM_025133.4); c.*43+1460G>A (NM_001406809.1); c.*40+1463G>A (NM_001406796.1, NM_001406811.1, NM_001406805.1 and 2 more transcripts); short protein forms Q874*, Q790*.
Identifiers: ClinVar variation 3893181 (VCV003893181.1).

ClinVar aggregate classification (germline): Likely pathogenic (1 of 4 stars; one submission).

Conditions:
Intellectual developmental disorder with dysmorphic facies and behavioral abnormalities. Identifiers: MedGen C4748135, MONDO:0060760, OMIM 618089.

Submission:

Equipe Genetique des Anomalies du Developpement, Université de Bourgogne
Classification: Likely pathogenic for Intellectual developmental disorder with dysmorphic facies and behavioral abnormalities. Last evaluated: 2024-11-08. Review status: criteria provided, single submitter. Criteria: ACMG Guidelines, 2015. Collection method: clinical testing. Allele origin: de novo. Affected: yes.
Comment: This is a nonsense variant predicted to result in a premature stop codon at position 874 and likely results in an absent or disrupted protein product. Monoallelic pathogenic variants in FBXO11 are reported in an autosomal dominant intellectual developmental disorder with dysmorphic facies and behavioral abnormalities (OMIM #618089). This variant is not present in population database gnomAD (v4.1.0). It has not been reported in ClinVar. It has not been reported in literature. Based on the evidence outlined above, the variant was classified as likely pathogenic.